The following is an entry in ClinVar:

NM_014008.5(CCDC22):c.622G>A (p.Glu208Lys)

Gene: CCDC22 (CCC complex scaffolding subunit CCDC22; plus strand). Cytogenetic location: Xp11.23.
Variant type: single nucleotide variant.
Coding change: c.622G>A on transcript NM_014008.5 (MANE Select); coding-DNA position 622, G replaced by A.
Protein change: p.Glu208Lys; replaces glutamic acid 208 with lysine.
Molecular consequence: missense variant.
Genome position (GRCh38, 1-based): chrX:49,243,370, G>A. VCF-style: chrX-49243370-G-A. GRCh37 (hg19) VCF-style: chrX-49099836-G-A.
Other names: short protein forms E208K.
Identifiers: ClinVar variation 1699426 (VCV001699426.16), dbSNP rs2147938135, ClinGen allele CA412935087.

ClinVar aggregate classification (germline): Conflicting classifications of pathogenicity. Review status: criteria provided, conflicting classifications (1 of 4 stars). 8 submissions from 8 submitters: Likely pathogenic (5); Uncertain significance (3). Last evaluated 2025-10-10.

Conditions:
Ritscher-Schinzel syndrome 2. Identifiers: Orphanet 7, MedGen C4225419, MONDO:0010499, OMIM 300963.

Submissions (8):

3billion
Classification: Likely pathogenic for Ritscher-Schinzel syndrome 2. Last evaluated: 2025-10-10. Review status: criteria provided, single submitter. Criteria: ACMG Guidelines, 2015. Collection method: clinical testing. Allele origin: germline. Affected: yes.
Comment: The variant is not observed in the gnomAD v4.1.0 dataset. Predicted Consequence/Location: Missense variant. Missense changes are a common disease-causing mechanism. Functional studies provide moderate evidence of the variant having a damaging effect on the gene or gene product (PMID: 40448120). The same nucleotide change resulting in the same amino acid change has been previously reported to be associated with CCDC22-related disorder (ClinVar ID: VCV001699426 /PMID: 40448120). Therefore, this variant is classified as Likely pathogenic according to the recommendation of ACMG/AMP guideline.

Genomic Medicine Center of Excellence, King Faisal Specialist Hospital and Research Centre
Classification: Uncertain significance for Ritscher-Schinzel syndrome 2. Last evaluated: 2025-09-10. Review status: criteria provided, single submitter. Criteria: ACMG Guidelines, 2015. Collection method: clinical testing. Allele origin: germline.

Victorian Clinical Genetics Services, Murdoch Childrens Research Institute
Classification: Likely pathogenic for Ritscher-Schinzel syndrome 2. Last evaluated: 2025-03-13. Review status: criteria provided, single submitter. Criteria: ACMG Guidelines, 2015. Collection method: clinical testing. Allele origin: germline. Affected: yes.
Comment: This variant is classified as Likely pathogenic. Evidence in support of pathogenic classification: Variant is absent from gnomAD (v2, v3 and v4); This variant has strong previous evidence of pathogenicity in unrelated individuals. This variant has been classified as likely pathogenic in two affected de novo individuals (ClinVar, personal communication), and has been reported in the literature in an individual with intellectual disability (PMID: 25644381). Additional information: Variant is predicted to result in a missense amino acid change from glutamic acid to lysine; This variant is hemizygous; This gene is associated with X-linked recessive disease; No published functional evidence has been identified for this variant; No comparable missense variants have previous evidence for pathogenicity; Variant is located in the annotated CCDC22_CC domain (DECIPHER); Missense variant with inconclusive in silico prediction and uninformative conservation; Loss of function is a likely mechanism of disease in this gene and is associated with Ritscher-Schinzel syndrome 2 (MIM#300963); Inheritance information for this variant is not currently available in this individual.

Neurogenetics Research Program, University of Adelaide
Classification: Likely pathogenic for Ritscher-Schinzel syndrome 2. Last evaluated: 2024-09-18. Review status: criteria provided, single submitter. Criteria: ACMG Guidelines, 2015. Collection method: research, in vitro. Allele origin: maternal, not applicable. Inheritance: X-linked recessive inheritance. Affected: yes. Observed: 2 variant alleles, 2 hemizygotes. Clinical features observed: 2-3 finger cutaneous syndactyly (HP:0001233), Intellectual disability (HP:0001249), Sleep disturbance (HP:0002360), Seizure (HP:0001250), Cryptorchidism (HP:0000028), Feeding difficulties (HP:0011968), Mild short stature (HP:0003502), Generalized hypotonia (HP:0001290), Dental crowding (HP:0000678). Functional consequence: effect on protein interaction.
Comment: This variant has been previously reported in affected males with 3C syndrome ClinVar:SCV002568137.1, SCV002570303.1 and SCV002557040.2. In two of these reports, the variant was designated as Likely Pathogenic (PP5). Functional data show the variant affects a conserved residue of a known domain and binding with other members of the 3C complex is impaired in an in vitro assay (PM2). The maternally inherited variant segregates in affected males (PP1). The phenotype of the affected males is consistent with mild forms of 3C syndrome (PP4). The variant is absent in the hemizygous state in gnomAD (PM2).

Laboratorio de Genetica e Diagnostico Molecular, Hospital Israelita Albert Einstein
Classification: Uncertain significance for Ritscher-Schinzel syndrome 2. Last evaluated: 2024-01-17. Review status: criteria provided, single submitter. Criteria: ACMG Guidelines, 2015. Collection method: clinical testing. Allele origin: germline. Affected: yes.
Comment: ACMG classification criteria: PS4 supporting, PM2 moderate

Greenwood Genetic Center Diagnostic Laboratories, Greenwood Genetic Center
Classification: Likely pathogenic for Ritscher-Schinzel syndrome 2. Last evaluated: 2022-05-23. Review status: criteria provided, single submitter. Criteria: ACMG Guidelines, 2015. Collection method: clinical testing. Allele origin: germline. Affected: yes.
Comment: PS2, PM2, PP3

Blueprint Genetics
Classification: Uncertain significance. Last evaluated: 2022-03-29. Review status: criteria provided, single submitter. Criteria: ACMG Guidelines, 2015. Collection method: clinical testing. Allele origin: germline.

Johns Hopkins Genomics, Johns Hopkins University
Classification: Likely pathogenic for Ritscher-Schinzel syndrome 2. Last evaluated: 2022-02-12. Review status: criteria provided, single submitter. Criteria: ACMG Guidelines, 2015. Collection method: clinical testing. Allele origin: germline.
Comment: This CCDC22 variant is absent from a large population dataset and has not been reported in ClinVar. However, detailed phenotypic information was not available for review. This variant was not identified in the patient's mother (JHG1794-2). Of three bioinformatics tools queried, two predict that the substitution would be damaging, while one predicts that it would be tolerated. The glutamate residue at this position is evolutionarily conserved across most mammalian species assessed. This variant is not predicted to affect normal exon 6 splicing, although this has not been confirmed experimentally to our knowledge. We consider this variant to be likely pathogenic.

Literature cited by the submitters: PubMed 40448120 (cited by 3billion); PubMed 25644381 (cited by Victorian Clinical Genetics Services, Murdoch Childrens Research Institute and Johns Hopkins Genomics, Johns Hopkins University); PubMed 21826058 (cited by Johns Hopkins Genomics, Johns Hopkins University); PubMed 24916641 (cited by Johns Hopkins Genomics, Johns Hopkins University); PubMed 31971710 (cited by Johns Hopkins Genomics, Johns Hopkins University).